The following is an entry in ClinVar:

ClinVar aggregate classification (germline): Likely benign. Review status: criteria provided, multiple submitters, no conflicts (2 of 4 stars). 2 submissions from 2 submitters: Likely benign (2). Last evaluated 2026-05-11.

Conditions:
Neurofibromatosis, type 1 (NF1). Also called: VON RECKLINGHAUSEN DISEASE; Neurofibromatosis, type I; NEUROFIBROMATOSIS, TYPE I, SOMATIC; Peripheral type neurofibromatosis. Identifiers: Orphanet 636, MedGen C0027831, MONDO:0018975, OMIM 162200. Disease mechanism: loss of function.

Allele frequency attached by ClinVar (database versions not stated): ExAC 0.00003; gnomAD 0.00002; TOPMed 0.00001; gnomAD exomes 0.00002.
gnomAD v4.1: 14 of 1,612,804 alleles (0.00087%); highest among the groups gnomAD compares: Non-Finnish European, 0.0012%; no homozygotes.

Submissions (2):

Myriad Genetics, Inc.
Classification: Likely benign for Neurofibromatosis, type 1. Last evaluated: 2026-05-11. Review status: criteria provided, single submitter. Criteria: Myriad Autosomal Dominant, Autosomal Recessive and X-Linked Classification Criteria (2023). Collection method: clinical testing. Allele origin: unknown.
Comment: This variant is considered likely benign. This variant is intronic and is not expected to impact mRNA splicing.

Labcorp Genetics (formerly Invitae), Labcorp
Classification: Likely benign for Neurofibromatosis, type 1. Last evaluated: 2025-02-19. Review status: criteria provided, single submitter. Criteria: Invitae Variant Classification Sherloc (09022015). Collection method: clinical testing. Allele origin: germline.

NM_001042492.3(NF1):c.1063-14T>C

Gene: NF1 (neurofibromin 1; plus strand). Cytogenetic location: 17q11.2.
Variant type: single nucleotide variant.
Coding change: c.1063-14T>C on transcript NM_001042492.3 (MANE Select); 14 bases into the intron before coding-DNA position 1063, T replaced by C.
Molecular consequence: intron variant.
Genome position (GRCh38, 1-based): chr17:31,201,023, T>C. VCF-style: chr17-31201023-T-C. GRCh37 (hg19) VCF-style: chr17-29528041-T-C.
Other names: c.1063-14T>C (NM_000267.4, NM_001128147.3).
Identifiers: ClinVar variation 1554400 (VCV001554400.9), dbSNP rs538708444, ClinGen allele CA8485684.